The following is an entry in ClinVar:

NM_001142800.2(EYS):c.2373_2374del (p.Ser792fs)

Gene: EYS (EGF-like photoreceptor maintenance factor; minus strand). Cytogenetic location: 6q12.
Variant type: Deletion.
Coding change: c.2373_2374del on transcript NM_001142800.2 (MANE Select); coding-DNA positions 2373 to 2374, 2 bases deleted (AA; older notation c.2373_2374delAA).
Protein change: p.Ser792fs; shifts the reading frame from serine 792.
Molecular consequence: frameshift variant.
Genome position (GRCh38, 1-based): chr6:64,945,800-64,945,801, TT deleted on the plus strand (AA on the coding strand, the reverse complement: EYS is on the minus strand); deleting any 2 consecutive bases within chr6:64,945,800-64,945,803 gives the same sequence; the c. name uses the placement nearest the transcript's 3' end. VCF-style (leftmost placement, unchanged base first): chr6-64945799-CTT-C. GRCh37 (hg19) VCF-style: chr6-65655692-CTT-C.
Other names: c.2373_2374del, p.Ser792fs (NM_001292009.2); short protein forms S792fs.
Identifiers: ClinVar variation 3544459 (VCV003544459.1).

ClinVar aggregate classification (germline): Pathogenic (1 of 4 stars; one submission).

Conditions:
Retinitis pigmentosa (RP). Identifiers: Orphanet 791, MedGen C0035334, MeSH D012174, MONDO:0019200, OMIM 268000. Inheritance: Autosomal dominant, autosomal recessive and X linked inheritance.

Submission:

Lab De Baere, Eye and Developmental Genetics Lab, Ghent University
Classification: Pathogenic for Retinitis pigmentosa. Last evaluated: 2024-10-01. Review status: criteria provided, single submitter. Criteria: ACMG Guidelines, 2015. Collection method: research. Allele origin: inherited. Affected: yes. Observed: 1 variant allele.
Comment: ACMG/AMP guidelines: PM2, PVS1, PP1, PM3_PP